The following is an entry in ClinVar:

NM_182972.3(IRF2BP2):c.71T>G (p.Met24Arg)

Gene: IRF2BP2 (interferon regulatory factor 2 binding protein 2; minus strand). Cytogenetic location: 1q42.3.
Variant type: single nucleotide variant.
Coding change: c.71T>G on transcript NM_182972.3 (MANE Select); coding-DNA position 71, T replaced by G.
Protein change: p.Met24Arg; replaces methionine 24 with arginine.
Molecular consequence: missense variant.
Genome position (GRCh38, 1-based): chr1:234,609,424, A>C on the plus strand (T>G on the coding strand, the complement: IRF2BP2 is on the minus strand). VCF-style: chr1-234609424-A-C. GRCh37 (hg19) VCF-style: chr1-234745170-A-C.
Other names: c.71T>G, p.Met24Arg (NM_001077397.1); short protein forms M24R.
Identifiers: ClinVar variation 2575715 (VCV002575715.1), dbSNP rs2528524625, ClinGen allele CA345312070.
Genomic context (GRCh38, chr1:234,609,424, plus strand): 5'-TCGTAGTTGACGCAGCCGCGGCAGACGGGTTCGGTGAAGTCCCAGATCATGGCCCAGGGC[A>C]TGCGGGGCAGGTCACACAGGTAGCACGACTGCCGCCGGGACGCGGCCGCCACCGCCACCG-3'
Protein context (NP_892017.2, residues 14-34): QSCYLCDLPR[Met24Arg]PWAMIWDFTE

ClinVar aggregate classification (germline): Uncertain significance (1 of 4 stars; one submission).

Submission:

GeneDx
Classification: Uncertain significance. Last evaluated: 2023-08-11. Review status: criteria provided, single submitter. Criteria: GeneDx Variant Classification Process June 2021. Collection method: clinical testing. Allele origin: germline. Affected: yes.
Comment: Not observed at significant frequency in large population cohorts (gnomAD); In silico analysis supports that this missense variant has a deleterious effect on protein structure/function; In silico analysis suggests this variant may impact gene splicing. In the absence of RNA/functional studies, the actual effect of this sequence change is unknown.; Has not been previously published as pathogenic or benign to our knowledge